The following is an entry in ClinVar:

NM_020163.3(SEMA3G):c.1510-6C>T

Gene: SEMA3G (semaphorin 3G; minus strand). Cytogenetic location: 3p21.1.
Variant type: single nucleotide variant.
Coding change: c.1510-6C>T on transcript NM_020163.3 (MANE Select); 6 bases into the intron before coding-DNA position 1510, C replaced by T.
Molecular consequence: intron variant.
Genome position (GRCh38, 1-based): chr3:52,438,205, G>A on the plus strand (C>T on the coding strand, the complement: SEMA3G is on the minus strand). VCF-style: chr3-52438205-G-A. GRCh37 (hg19) VCF-style: chr3-52472221-G-A.
Identifiers: ClinVar variation 3355053 (VCV003355053.1).

ClinVar aggregate classification (germline): Likely benign (0 of 4 stars; one submission).

Conditions:
SEMA3G-related disorder. Also called: SEMA3G-related condition.

Submission:

PreventionGenetics, part of Exact Sciences
Classification: Likely benign for SEMA3G-related condition. Last evaluated: 2024-05-11. Review status: no assertion criteria provided. Collection method: clinical testing. Allele origin: germline.
Comment: This variant is classified as likely benign based on ACMG/AMP sequence variant interpretation guidelines (Richards et al. 2015 PMID: 25741868, with internal and published modifications).